The following is an entry in ClinVar:

NM_015629.4(PRPF31):c.780G>A (p.Ser260=)

Gene: PRPF31 (pre-mRNA processing factor 31; plus strand). Cytogenetic location: 19q13.42.
Variant type: single nucleotide variant.
Coding change: c.780G>A on transcript NM_015629.4 (MANE Select); coding-DNA position 780, G replaced by A.
Protein change: p.Ser260=; no amino-acid change (serine 260 retained).
Molecular consequence: synonymous variant.
Genome position (GRCh38, 1-based): chr19:54,124,581, G>A. VCF-style: chr19-54124581-G-A. GRCh37 (hg19) VCF-style: chr19-54627960-G-A.
Other names: c.780G>A (NM_015629.3).
Identifiers: ClinVar variation 1672184 (VCV001672184.10), dbSNP rs587600912, ClinGen allele CA309326156.
Genomic context (GRCh38, chr19:54,124,581, plus strand): 5'-CCTCTCCAAGATGCCCGCCTGCAACATCATGCTGCTCGGGGCCCAGCGCAAGACGCTGTC[G>A]GGCTTCTCGTCTACCTCAGTGCTGCCCCACACCGGCTACATCTACCACAGTGACATCGTG-3'
Protein context (NP_056444.3, residues 250-270): MLLGAQRKTL[Ser260=]GFSSTSVLPH

ClinVar aggregate classification (germline): Likely benign. Review status: criteria provided, multiple submitters, no conflicts (2 of 4 stars). 3 submissions from 3 submitters: Likely benign (3). Last evaluated 2024-11-09.

Conditions:
PRPF31-related disorder. Also called: PRPF31-related condition.

Allele frequency attached by ClinVar (database versions not stated): gnomAD 0.00005 and 0.00006; gnomAD exomes 0.00006; TOPMed 0.00006; ExAC 0.00007; 1000 Genomes Project 0.00040; 1000 Genomes Project 30x 0.00047.
gnomAD v4.1: 26 of 1,613,394 alleles (0.0016%); highest among the groups gnomAD compares: Admixed American, 0.01%; no homozygotes.

Submissions (3):

PreventionGenetics, part of Exact Sciences
Classification: Likely benign for PRPF31-related condition. Last evaluated: 2024-11-09. Review status: criteria provided, single submitter. Criteria: ACMG Guidelines, 2015. Collection method: clinical testing. Allele origin: germline.
Comment: This variant is classified as likely benign based on ACMG/AMP sequence variant interpretation guidelines (Richards et al. 2015 PMID: 25741868, with internal and published modifications).

Labcorp Genetics (formerly Invitae), Labcorp
Classification: Likely benign. Last evaluated: 2023-09-20. Review status: criteria provided, single submitter. Criteria: Invitae Variant Classification Sherloc (09022015). Collection method: clinical testing. Allele origin: germline.

Blueprint Genetics
Classification: Likely benign. Last evaluated: 2019-11-14. Review status: criteria provided, single submitter. Criteria: ACMG Guidelines, 2015. Collection method: clinical testing. Allele origin: germline.